The following is an entry in ClinVar:

NM_080424.4(SP110):c.1421T>G (p.Ile474Ser)

Gene: SP110 (SP110 nuclear body protein; minus strand). Cytogenetic location: 2q37.1.
Variant type: single nucleotide variant.
Coding change: c.1421T>G on transcript NM_080424.4 (MANE Select); coding-DNA position 1421, T replaced by G.
Protein change: p.Ile474Ser; replaces isoleucine 474 with serine.
Molecular consequence: missense variant.
Genome position (GRCh38, 1-based): chr2:230,178,183, A>C on the plus strand (T>G on the coding strand, the complement: SP110 is on the minus strand). VCF-style: chr2-230178183-A-C. GRCh37 (hg19) VCF-style: chr2-231042899-A-C.
Other names: c.1439T>G, p.Ile480Ser (NM_001185015.2, NM_001378442.1, NM_001378444.1 and 2 more transcripts); c.1421T>G, p.Ile474Ser (NM_001378443.1, NM_004509.5, NM_004510.4); c.1271T>G, p.Ile424Ser (NM_001378447.1); short protein forms I474S, I480S, I424S.
Identifiers: ClinVar variation 581399 (VCV000581399.6), dbSNP rs1393390517, ClinGen allele CA350904224.

ClinVar aggregate classification (germline): Uncertain significance (1 of 4 stars; one submission).

Conditions:
Hepatic veno-occlusive disease-immunodeficiency syndrome. Also called: Hepatic Veno-Occlusive Disease with Immunodeficiency. Identifiers: Orphanet 79124, MedGen C1856128, MONDO:0009338, OMIM 235550. Disease mechanism: loss of function.

Allele frequency attached by ClinVar (database versions not stated): TOPMed 0.00001.

Submission:

Labcorp Genetics (formerly Invitae), Labcorp
Classification: Uncertain significance for Hepatic veno-occlusive disease-immunodeficiency syndrome. Last evaluated: 2021-08-30. Review status: criteria provided, single submitter. Criteria: Invitae Variant Classification Sherloc (09022015). Collection method: clinical testing. Allele origin: germline.
Comment: This sequence change replaces isoleucine with serine at codon 474 of the SP110 protein (p.Ile474Ser). The isoleucine residue is moderately conserved and there is a large physicochemical difference between isoleucine and serine. This variant is not present in population databases (ExAC no frequency). This variant has not been reported in the literature in individuals affected with SP110-related conditions. Algorithms developed to predict the effect of missense changes on protein structure and function are either unavailable or do not agree on the potential impact of this missense change (SIFT: "Deleterious"; PolyPhen-2: "Probably Damaging"; Align-GVGD: "Class C0"). In summary, the available evidence is currently insufficient to determine the role of this variant in disease. Therefore, it has been classified as a Variant of Uncertain Significance.